The following is an entry in ClinVar:

ClinVar aggregate classification (germline): Likely benign. Review status: criteria provided, multiple submitters, no conflicts (2 of 4 stars). 2 submissions from 2 submitters: Likely benign (2). Last evaluated 2025-02-04.

Conditions:
Kleefstra syndrome 1 (KLEFS1). Identifiers: Orphanet 261494, MedGen C0795833, MONDO:0027407, OMIM 610253.

Allele frequency attached by ClinVar (database versions not stated): TOPMed below 0.00001; ExAC 0.00001; gnomAD exomes 0.00001 and 0.00002.
gnomAD v4.1: 7 of 1,613,788 alleles (0.00043%); highest among the groups gnomAD compares: East Asian, 0.016%; no homozygotes.

Submissions (2):

Labcorp Genetics (formerly Invitae), Labcorp
Classification: Likely benign for Kleefstra syndrome 1. Last evaluated: 2025-02-04. Review status: criteria provided, single submitter. Criteria: Invitae Variant Classification Sherloc (09022015). Collection method: clinical testing. Allele origin: germline.

CeGaT Center for Human Genetics Tuebingen
Classification: Likely benign. Last evaluated: 2024-01-01. Review status: criteria provided, single submitter. Criteria: CeGaT Center For Human Genetics Tuebingen Variant Classification Criteria Version 2. Collection method: clinical testing. Allele origin: germline. Affected: yes. Observed: 1 variant allele.
Comment: EHMT1: BP4, BP7

NM_024757.5(EHMT1):c.2142A>G (p.Gly714=)

Gene: EHMT1 (euchromatic histone lysine methyltransferase 1; plus strand). Cytogenetic location: 9q34.3.
Variant type: single nucleotide variant.
Coding change: c.2142A>G on transcript NM_024757.5 (MANE Select); coding-DNA position 2142, A replaced by G.
Protein change: p.Gly714=; no amino-acid change (glycine 714 retained).
Molecular consequence: synonymous variant.
Genome position (GRCh38, 1-based): chr9:137,778,005, A>G. VCF-style: chr9-137778005-A-G. GRCh37 (hg19) VCF-style: chr9-140672457-A-G.
Other names: c.2142A>G, p.Gly714= (NM_001145527.2); c.2049A>G, p.Gly683= (NM_001354259.2); c.2121A>G, p.Gly707= (NM_001354263.2).
Identifiers: ClinVar variation 366013 (VCV000366013.35), dbSNP rs758845539, ClinGen allele CA5374825.